The following is an entry in ClinVar:

NM_000257.4(MYH7):c.2632G>A (p.Val878Met)

Genes: MYH7 (myosin heavy chain 7; minus strand), LOC126861898 (BRD4-independent group 4 enhancer GRCh37_chr14:23893609-23894808; plus strand). Cytogenetic location: 14q11.2.
Variant type: single nucleotide variant.
Coding change: c.2632G>A on transcript NM_000257.4 (MANE Select); coding-DNA position 2632, G replaced by A.
Protein change: p.Val878Met; replaces valine 878 with methionine.
Molecular consequence: missense variant.
Genome position (GRCh38, 1-based): chr14:23,424,816, C>T on the plus strand (G>A on the coding strand, the complement: MYH7 is on the minus strand). VCF-style: chr14-23424816-C-T. GRCh37 (hg19) VCF-style: chr14-23894025-C-T.
Other names: short protein forms V878M.
Identifiers: ClinVar variation 953554 (VCV000953554.12), dbSNP rs730880751, ClinGen allele CA389047939.

ClinVar aggregate classification (germline): Conflicting classifications of pathogenicity. Review status: criteria provided, conflicting classifications (1 of 4 stars). 2 submissions from 2 submitters: Likely pathogenic (1); Uncertain significance (1). Last evaluated 2025-07-28.

Conditions:
Cardiovascular phenotype. Identifiers: MedGen CN230736.
Hypertrophic cardiomyopathy. Also called: HYPERTROPHIC MYOCARDIOPATHY. Identifiers: Orphanet 217569, MedGen C0007194, MeSH D002312, MONDO:0005045, HP:0001639.

Submissions (2):

Labcorp Genetics (formerly Invitae), Labcorp
Classification: Likely pathogenic for Hypertrophic cardiomyopathy. Last evaluated: 2025-07-28. Review status: criteria provided, single submitter. Criteria: Invitae Variant Classification Sherloc (09022015). Collection method: clinical testing. Allele origin: germline.
Comment: This sequence change replaces valine, which is neutral and non-polar, with methionine, which is neutral and non-polar, at codon 878 of the MYH7 protein (p.Val878Met). This variant is not present in population databases (gnomAD no frequency). This missense change has been observed in individual(s) with hypertrophic cardiomyopathy (PMID: 25132132, 31737537, 35653365). ClinVar contains an entry for this variant (Variation ID: 953554). Invitae Evidence Modeling of protein sequence and biophysical properties (such as structural, functional, and spatial information, amino acid conservation, physicochemical variation, residue mobility, and thermodynamic stability) indicates that this missense variant is expected to disrupt MYH7 protein function with a positive predictive value of 95%. This variant disrupts the p.Val878 amino acid residue in MYH7. Other variant(s) that disrupt this residue have been determined to be pathogenic (PMID: 25132132, 28777849). This suggests that this residue is clinically significant, and that variants that disrupt this residue are likely to be disease-causing. In summary, the currently available evidence indicates that the variant is pathogenic, but additional data are needed to prove that conclusively. Therefore, this variant has been classified as Likely Pathogenic.

Ambry Genetics
Classification: Uncertain significance for Cardiovascular phenotype. Last evaluated: 2022-07-25. Review status: criteria provided, single submitter. Criteria: Ambry Variant Classification Scheme 2023. Collection method: clinical testing. Allele origin: germline.
Comment: The p.V878M variant (also known as c.2632G>A), located in coding exon 20 of the MYH7 gene, results from a G to A substitution at nucleotide position 2632. The valine at codon 878 is replaced by methionine, an amino acid with highly similar properties. This alteration is located in the myosin head domain, which contains a statistically significant clustering of pathogenic missense variants (Homburger JR et al. Proc Natl Acad Sci U S A, 2016 06;113:6701-6; Walsh R et al. Genet Med, 2017 02;19:192-203; Ambry internal data). This variant has been detected in an individual from a hypertrophic cardiomyopathy (HCM) cohort and a cohort referred for HCM genetic testing (Wang J et al. Eur J Heart Fail, 2014 Sep;16:950-7; Marschall C et al. Cardiovasc Diagn Ther, 2019 Oct;9:S292-S298). This amino acid position is highly conserved in available vertebrate species. In addition, the in silico prediction for this alteration is inconclusive. Since supporting evidence is limited at this time, the clinical significance of this alteration remains unclear.

Literature cited by the submitters: PubMed 25132132 (cited by Labcorp Genetics (formerly Invitae), Labcorp and Ambry Genetics); PubMed 31737537 (cited by Labcorp Genetics (formerly Invitae), Labcorp and Ambry Genetics); PubMed 35653365 (cited by Labcorp Genetics (formerly Invitae), Labcorp); PubMed 28777849 (cited by Labcorp Genetics (formerly Invitae), Labcorp); PubMed 27247418 (cited by Ambry Genetics); PubMed 27527004 (cited by Ambry Genetics); PubMed 32344918 (cited by Ambry Genetics).